The following is an entry in ClinVar:

NM_002948.5(RPL15):c.578G>A (p.Arg193Lys)

Genes: NKIRAS1 (NFKB inhibitor interacting Ras like 1; minus strand), RPL15 (ribosomal protein L15; plus strand). Cytogenetic location: 3p24.2.
Variant type: single nucleotide variant.
Coding change: c.578G>A on transcript NM_002948.5 (MANE Select); coding-DNA position 578, G replaced by A.
Protein change: p.Arg193Lys; replaces arginine 193 with lysine.
Molecular consequence: missense variant. On other transcripts: intron variant (2).
Genome position (GRCh38, 1-based): chr3:23,919,464, G>A. VCF-style: chr3-23919464-G-A. GRCh37 (hg19) VCF-style: chr3-23960955-G-A.
Other names: c.578G>A, p.Arg193Lys (NM_001253379.2, NM_001253380.2, NM_001253382.2 and 1 more transcripts); c.-139-8014C>T (NM_001377380.1); c.360+218G>A (NM_001253384.2); short protein forms R193K.
Identifiers: ClinVar variation 2173326 (VCV002173326.3), dbSNP rs956160575, ClinGen allele CA71532094.

ClinVar aggregate classification (germline): Uncertain significance (1 of 4 stars; one submission).

Allele frequency attached by ClinVar (database versions not stated): gnomAD 0.00002; TOPMed 0.00003; gnomAD exomes 0.00001.
gnomAD v4.1: 16 of 1,601,708 alleles (0.001%); highest among the groups gnomAD compares: Non-Finnish European, 0.0014%; no homozygotes.

Submission:

Labcorp Genetics (formerly Invitae), Labcorp
Classification: Uncertain significance. Last evaluated: 2023-07-20. Review status: criteria provided, single submitter. Criteria: Invitae Variant Classification Sherloc (09022015). Collection method: clinical testing. Allele origin: germline.
Comment: This sequence change replaces arginine, which is basic and polar, with lysine, which is basic and polar, at codon 193 of the RPL15 protein (p.Arg193Lys). This variant is present in population databases (no rsID available, gnomAD 0.0009%). This variant has not been reported in the literature in individuals affected with RPL15-related conditions. ClinVar contains an entry for this variant (Variation ID: 2173326). An algorithm developed to predict the effect of missense changes on protein structure and function (PolyPhen-2) suggests that this variant is likely to be tolerated. In summary, the available evidence is currently insufficient to determine the role of this variant in disease. Therefore, it has been classified as a Variant of Uncertain Significance.